The following is an entry in ClinVar:

ClinVar aggregate classification (germline): Uncertain significance. Review status: criteria provided, multiple submitters, no conflicts (2 of 4 stars). 2 submissions from 2 submitters: Uncertain significance (2). Last evaluated 2025-10-29.

Conditions:
Developmental and epileptic encephalopathy, 42 (DEE42A). Also called: DEVELOPMENTAL AND EPILEPTIC ENCEPHALOPATHY 42A; EPILEPTIC ENCEPHALOPATHY, EARLY INFANTILE, 42A; Epileptic encephalopathy, early infantile, 42. Identifiers: MedGen C4310716, MONDO:0014917, OMIM 617106.
Episodic ataxia type 2 (EA2). Also called: ACETAZOLAMIDE-RESPONSIVE HEREDITARY PAROXYSMAL CEREBELLAR ATAXIA; ATAXIA, EPISODIC, WITH NYSTAGMUS; ATAXIA, FAMILIAL PAROXYSMAL; CEREBELLAR ATAXIA, PAROXYSMAL, ACETAZOLAMIDE-RESPONSIVE; CEREBELLOPATHY, HEREDITARY PAROXYSMAL; EPISODIC ATAXIA, NYSTAGMUS-ASSOCIATED. Identifiers: Orphanet 97, MedGen C1720416, MONDO:0007163, OMIM 108500.

Submissions (2):

Labcorp Genetics (formerly Invitae), Labcorp
Classification: Uncertain significance for Developmental and epileptic encephalopathy, 42; Episodic ataxia type 2. Last evaluated: 2025-10-29. Review status: criteria provided, single submitter. Criteria: Invitae Variant Classification Sherloc (09022015). Collection method: clinical testing. Allele origin: germline.
Comment: This sequence change falls in intron 9 of the CACNA1A gene. It does not directly change the encoded amino acid sequence of the CACNA1A protein. It affects a nucleotide within the consensus splice site. This variant is not present in population databases (gnomAD no frequency). This variant has been observed in individual(s) with episodic ataxia 2 (internal data). ClinVar contains an entry for this variant (Variation ID: 2922030). Variants that disrupt the consensus splice site are a relatively common cause of aberrant splicing (PMID: 17576681, 9536098). Algorithms developed to predict the effect of sequence changes on RNA splicing suggest that this variant may disrupt the consensus splice site. In summary, the available evidence is currently insufficient to determine the role of this variant in disease. Therefore, it has been classified as a Variant of Uncertain Significance.

GeneDx
Classification: Uncertain significance. Last evaluated: 2024-03-28. Review status: criteria provided, single submitter. Criteria: GeneDx Variant Classification Process June 2021. Collection method: clinical testing. Allele origin: germline. Affected: yes.
Comment: Not observed at significant frequency in large population cohorts (gnomAD); In silico analysis suggests this variant may impact gene splicing. In the absence of RNA/functional studies, the actual effect of this sequence change is unknown.; Has not been previously published as pathogenic or benign to our knowledge

Literature cited by the submitters: PubMed 17576681 (cited by Labcorp Genetics (formerly Invitae), Labcorp); PubMed 9536098 (cited by Labcorp Genetics (formerly Invitae), Labcorp).

NM_001127222.2(CACNA1A):c.1255+3A>G

Gene: CACNA1A (calcium voltage-gated channel subunit alpha1 A; minus strand). Cytogenetic location: 19p13.13.
Variant type: single nucleotide variant.
Coding change: c.1255+3A>G on transcript NM_001127222.2 (MANE Select); 3 bases into the intron after coding-DNA position 1255, A replaced by G.
Molecular consequence: intron variant.
Genome position (GRCh38, 1-based): chr19:13,332,866, T>C on the plus strand (A>G on the coding strand, the complement: CACNA1A is on the minus strand). VCF-style: chr19-13332866-T-C. GRCh37 (hg19) VCF-style: chr19-13443680-T-C.
Other names: c.1255+3A>G (NM_001127221.2, NM_001174080.2, NM_000068.4 and 1 more transcripts).
Identifiers: ClinVar variation 2922030 (VCV002922030.4), dbSNP rs2513041382, ClinGen allele CA2740091954.
Genomic context (GRCh38, chr19:13,332,866, plus strand): 5'-CCCCACCACAGCTTCTCCCTTCTCCCCTGGGACCCACCCCTGAGGTGGGTTTAGAGCAGT[T>C]ACCATCAAAGGGATGCCTCTGCTCCCCGTCAGTTTCATCCTCGGCGAGGATCACCTCTTC-3'